The following is an entry in ClinVar:

NM_021926.4(ALX4):c.992G>A (p.Cys331Tyr)

Gene: ALX4 (ALX homeobox 4; minus strand). Cytogenetic location: 11p11.2.
Variant type: single nucleotide variant.
Coding change: c.992G>A on transcript NM_021926.4 (MANE Select); coding-DNA position 992, G replaced by A.
Protein change: p.Cys331Tyr; replaces cysteine 331 with tyrosine.
Molecular consequence: missense variant.
Genome position (GRCh38, 1-based): chr11:44,265,098, C>T on the plus strand (G>A on the coding strand, the complement: ALX4 is on the minus strand). VCF-style: chr11-44265098-C-T. GRCh37 (hg19) VCF-style: chr11-44286648-C-T.
Other names: c.992G>A (NM_021926.3); short protein forms C331Y.
Identifiers: ClinVar variation 806649 (VCV000806649.42), dbSNP rs980674490, ClinGen allele CA221487727.

ClinVar aggregate classification (germline): Uncertain significance. Review status: criteria provided, multiple submitters, no conflicts (2 of 4 stars). 2 submissions from 2 submitters: Uncertain significance (2). Last evaluated 2025-10-18.

Conditions:
Inborn genetic diseases. Identifiers: MedGen C0950123, MeSH D030342.

Allele frequency attached by ClinVar (database versions not stated): gnomAD exomes 0.00001; gnomAD 0.00004; TOPMed 0.00006.
gnomAD v4.1: 11 of 1,612,480 alleles (0.00068%); highest among the groups gnomAD compares: Admixed American, 0.015%; no homozygotes.

Submissions (2):

Ambry Genetics
Classification: Uncertain significance for Inborn genetic diseases. Last evaluated: 2025-10-18. Review status: criteria provided, single submitter. Criteria: Ambry Variant Classification Scheme 2023. Collection method: clinical testing. Allele origin: germline.

CeGaT Center for Human Genetics Tuebingen
Classification: Uncertain significance. Last evaluated: 2023-09-01. Review status: criteria provided, single submitter. Criteria: CeGaT Center For Human Genetics Tuebingen Variant Classification Criteria Version 2. Collection method: clinical testing. Allele origin: germline. Affected: yes. Observed: 3 variant alleles.
Comment: ALX4: PP3